The following is an entry in ClinVar:

Conditions:
Breast-ovarian cancer, familial, susceptibility to, 1 (BROVCA1). Also called: BRCA1 Hereditary Breast and Ovarian Cancer; OVARIAN CANCER, SUSCEPTIBILITY TO. Identifiers: Orphanet 145, MedGen C2676676, MONDO:0011450, OMIM 604370. Disease mechanism: loss of function.

Submission:

Brotman Baty Institute, University of Washington
No classification provided (evidence only). Condition: Breast-ovarian cancer, familial 1. Review status: no classification provided. Collection method: in vitro. Allele origin: not applicable. Functional consequence: functionally_normal.
ClinVar note: "not provided" was previously submitted as the classification for the variant. However, the classification appeared to be based only on an observation of functional data so it was converted to no classification on 2025-07-30.

NM_007294.4(BRCA1):c.5193+24A>C

Gene: BRCA1 (BRCA1 DNA repair associated; minus strand). Cytogenetic location: 17q21.31.
Variant type: single nucleotide variant.
Coding change: c.5193+24A>C on transcript NM_007294.4 (MANE Select); 24 bases into the intron after coding-DNA position 5193, A replaced by C.
Molecular consequence: intron variant.
Genome position (GRCh38, 1-based): chr17:43,063,309, T>G on the plus strand (A>C on the coding strand, the complement: BRCA1 is on the minus strand). VCF-style: chr17-43063309-T-G. GRCh37 (hg19) VCF-style: chr17-41215326-T-G.
Other names: c.1740+24A>C (NM_001408458.1, NM_001408461.1, NM_001408464.1 and 7 more transcripts); c.4302+24A>C (NM_001407967.1); c.4812+24A>C (NM_001407959.1); c.4926+24A>C (NM_001407931.1, NM_001407932.1, NM_001407928.1 and 4 more transcripts); c.5049+24A>C (NM_001407747.1, NM_001407745.1, NM_001407737.1 and 21 more transcripts); c.4809+24A>C (NM_001407962.1, NM_001407960.1); c.1380+24A>C (NM_001408512.1); c.1503+24A>C (NM_001408510.1); and 72 more.
Identifiers: ClinVar variation 868151 (VCV000868151.3), dbSNP rs2051848504, ClinGen allele CA916079984.